The following is an entry in ClinVar:

ClinVar aggregate classification (germline): Likely benign (1 of 4 stars; one submission).

gnomAD v4.1: 889 of 1,614,044 alleles (0.055%); highest among the groups gnomAD compares: Non-Finnish European, 0.069%; 1 homozygote.

Submission:

CeGaT Center for Human Genetics Tuebingen
Classification: Likely benign. Last evaluated: 2025-10-01. Review status: criteria provided, single submitter. Criteria: CeGaT Center For Human Genetics Tuebingen Variant Classification Criteria Version 2. Collection method: clinical testing. Allele origin: germline. Affected: yes. Observed: 1 variant allele.
Comment: FILIP1: BP4, BP7

NM_015687.5(FILIP1):c.594C>T (p.Asp198=)

Gene: FILIP1 (filamin A interacting protein 1; minus strand). Cytogenetic location: 6q14.1.
Variant type: single nucleotide variant.
Coding change: c.594C>T on transcript NM_015687.5 (MANE Select); coding-DNA position 594, C replaced by T.
Protein change: p.Asp198=; no amino-acid change (aspartic acid 198 retained).
Molecular consequence: synonymous variant.
Genome position (GRCh38, 1-based): chr6:75,353,574, G>A on the plus strand (C>T on the coding strand, the complement: FILIP1 is on the minus strand). VCF-style: chr6-75353574-G-A. GRCh37 (hg19) VCF-style: chr6-76063290-G-A.
Other names: c.603C>T, p.Asp201= (NM_001289987.3); c.594C>T, p.Asp198= (NM_001300866.3).
Identifiers: ClinVar variation 4280769 (VCV004280769.7).